The following is an entry in ClinVar:

NM_003906.5(MCM3AP):c.1031A>T (p.Asp344Val)

Gene: MCM3AP (minichromosome maintenance complex component 3 associated protein; minus strand). Cytogenetic location: 21q22.3.
Variant type: single nucleotide variant.
Coding change: c.1031A>T on transcript NM_003906.5 (MANE Select); coding-DNA position 1031, A replaced by T.
Protein change: p.Asp344Val; replaces aspartic acid 344 with valine.
Molecular consequence: missense variant.
Genome position (GRCh38, 1-based): chr21:46,284,256, T>A on the plus strand (A>T on the coding strand, the complement: MCM3AP is on the minus strand). VCF-style: chr21-46284256-T-A. GRCh37 (hg19) VCF-style: chr21-47704170-T-A.
Other names: short protein forms D344V.
Identifiers: ClinVar variation 3670834 (VCV003670834.2).

ClinVar aggregate classification (germline): Uncertain significance (1 of 4 stars; one submission).

gnomAD v4.1: 1 of 1,614,206 alleles (0.000062%); highest among the groups gnomAD compares: Non-Finnish European, 0.000085%; no homozygotes.

Submission:

Labcorp Genetics (formerly Invitae), Labcorp
Classification: Uncertain significance. Last evaluated: 2024-02-24. Review status: criteria provided, single submitter. Criteria: Invitae Variant Classification Sherloc (09022015). Collection method: clinical testing. Allele origin: germline.
Comment: This sequence change replaces aspartic acid, which is acidic and polar, with valine, which is neutral and non-polar, at codon 344 of the MCM3AP protein (p.Asp344Val). This variant is not present in population databases (gnomAD no frequency). This missense change has been observed in individual(s) with clinical features of Charcot-Marie-Tooth disease (Invitae). In at least one individual the data is consistent with being in trans (on the opposite chromosome) from a pathogenic variant. An algorithm developed to predict the effect of missense changes on protein structure and function (PolyPhen-2) suggests that this variant is likely to be disruptive. In summary, the available evidence is currently insufficient to determine the role of this variant in disease. Therefore, it has been classified as a Variant of Uncertain Significance.